The following is an entry in ClinVar:

ClinVar aggregate classification (germline): Conflicting classifications of pathogenicity. Review status: criteria provided, conflicting classifications (1 of 4 stars). 6 submissions from 6 submitters: Likely pathogenic (2); Uncertain significance (2). 2 of the submissions do not count toward it. Last evaluated 2026-09-21.

Conditions:
Alexander disease (ALXDRD). Also called: Alexander's disease. Identifiers: Orphanet 58, MedGen C0270726, MONDO:0008752, OMIM 203450.

Allele frequency attached by ClinVar (database versions not stated): ExAC 0.00001; gnomAD 0.00001; 1000 Genomes Project 30x 0.00016; 1000 Genomes Project 0.00020; gnomAD exomes below 0.00001.
gnomAD v4.1: 7 of 1,614,180 alleles (0.00043%); highest among the groups gnomAD compares: African/African-American, 0.0013%; no homozygotes.

Submissions (6):

GeneDx
Classification: Likely pathogenic. Last evaluated: 2026-09-21. Review status: criteria provided, single submitter. Criteria: GeneDx Variant Classification Process June 2021. Collection method: clinical testing. Allele origin: germline.
Comment: Identified in adult patients with Alexander disease; however, clinical and segregation details were not provided for all patients (PMID: 17894839, 18388212, 24306001); In silico analysis suggests that this missense variant does not alter protein structure/function; This variant is associated with the following publications: (PMID: 23430549, 26478912, 29421207, 18684770, 20301351, 36088400, 19948199, 17438228, 16240361, 18388212, 17894839, 24306001, 18495313)

Labcorp Genetics (formerly Invitae), Labcorp
Classification: Uncertain significance. Last evaluated: 2024-10-02. Review status: criteria provided, single submitter. Criteria: Invitae Variant Classification Sherloc (09022015). Collection method: clinical testing. Allele origin: germline.
Comment: This sequence change replaces arginine, which is basic and polar, with glutamine, which is neutral and polar, at codon 70 of the GFAP protein (p.Arg70Gln). This variant is present in population databases (rs267607510, gnomAD 0.007%). This missense change has been observed in individual(s) with Alexander disease (PMID: 17894839). This missense change has been observed in at least one individual who was not affected with GFAP-related conditions (internal data). ClinVar contains an entry for this variant (Variation ID: 66461). Invitae Evidence Modeling of protein sequence and biophysical properties (such as structural, functional, and spatial information, amino acid conservation, physicochemical variation, residue mobility, and thermodynamic stability) has been performed for this missense variant. However, the output from this modeling did not meet the statistical confidence thresholds required to predict the impact of this variant on GFAP protein function. This variant disrupts the p.Arg70 amino acid residue in GFAP. Other variant(s) that disrupt this residue have been determined to be pathogenic (PMID: 16240361, 17438228, 17894839, 20849398). This suggests that this residue is clinically significant, and that variants that disrupt this residue are likely to be disease-causing. In summary, the available evidence is currently insufficient to determine the role of this variant in disease. Therefore, it has been classified as a Variant of Uncertain Significance.

Concord Molecular Medicine Laboratory, Concord Repatriation General Hospital
Classification: Likely pathogenic for Alexander disease. Last evaluated: 2023-01-24. Review status: criteria provided, single submitter. Criteria: ACMG Guidelines, 2015. Collection method: clinical testing. Allele origin: germline. Affected: yes. Observed: 1 heterozygote.
Comment: This missense change is one of the common variants causing the adult form of Alexander Disease (PMID: 20301351, 17894839, 18684770, 18495313, 18388212, 24306001). Disease onset is typically in the third decade in described cases with the same variant (PMID: 36088400). MRI showed atrophic medulla with narrowed cervical cord. This variant is present in a heterozygous state at a very low frequency in control population (gnomAD). It is located in a mutational hotspot and within the functional IF rod domain in the special “head” region. Another amino acid change in the same codon has been reported as disease causing (ClinVar ID: 66460). In silico analysis by REVEL predicts the effect of the variant as uncertain (REVEL:0.607), MetaRNN as pathogenic (0.953). The current evidence available allows a classification of the variant as “likely pathogenic” (ACMG criteria: PM1, PM5, PS4_moderate, PM2_supporting).

Athena Diagnostics
Classification: Uncertain significance. Last evaluated: 2019-03-15. Review status: criteria provided, single submitter. Criteria: Athena Diagnostics Criteria. Collection method: clinical testing. Allele origin: germline.

Epithelial Biology;  Institute of Medical Biology, Singapore
No classification provided. Review status: no classification provided. Collection method: not provided. Allele origin: not provided. Not counted in ClinVar's aggregate classification.

GeneReviews
No classification provided. Condition: Alexander disease. Review status: no classification provided. Collection method: literature only. Allele origin: germline. Not counted in ClinVar's aggregate classification.

Literature cited by the submitters: PubMed 17894839 (cited by 3 submitters); PubMed 16240361 (cited by Labcorp Genetics (formerly Invitae), Labcorp); PubMed 17438228 (cited by Labcorp Genetics (formerly Invitae), Labcorp); PubMed 20849398 (cited by Labcorp Genetics (formerly Invitae), Labcorp); PubMed 26478912 (cited by Athena Diagnostics); PubMed 23430549 (cited by Athena Diagnostics); PubMed 24306001 (cited by Athena Diagnostics and GeneReviews); PubMed 18684770 (cited by Athena Diagnostics and GeneReviews); PubMed 18388212 (cited by Athena Diagnostics and GeneReviews); PubMed 19948199 (cited by Athena Diagnostics); NCBI Bookshelf NBK1172 (cited by GeneReviews); PubMed 18495313 (cited by GeneReviews).

NM_002055.5(GFAP):c.209G>A (p.Arg70Gln)

Gene: GFAP (glial fibrillary acidic protein; minus strand). Cytogenetic location: 17q21.31.
Variant type: single nucleotide variant.
Coding change: c.209G>A on transcript NM_002055.5 (MANE Select); coding-DNA position 209, G replaced by A.
Protein change: p.Arg70Gln; replaces arginine 70 with glutamine.
Molecular consequence: missense variant.
Genome position (GRCh38, 1-based): chr17:44,915,278, C>T on the plus strand (G>A on the coding strand, the complement: GFAP is on the minus strand). VCF-style: chr17-44915278-C-T. GRCh37 (hg19) VCF-style: chr17-42992646-C-T.
Other names: c.209G>A, p.Arg70Gln (NM_001131019.3, NM_001242376.3, NM_001363846.2); short protein forms R70Q.
Identifiers: ClinVar variation 66461 (VCV000066461.16), dbSNP rs267607510, ClinGen allele CA217152.